The following is an entry in ClinVar:

NM_001429.4(EP300):c.4947dup (p.Ser1650fs)

Gene: EP300 (EP300 lysine acetyltransferase; plus strand). Cytogenetic location: 22q13.2.
Variant type: Duplication.
Coding change: c.4947dup on transcript NM_001429.4 (MANE Select); coding-DNA position 4947, one base duplicated (G; older notation c.4947dupG).
Protein change: p.Ser1650fs; shifts the reading frame from serine 1650.
Molecular consequence: frameshift variant.
Genome position (GRCh38, 1-based): chr22:41,176,414, G duplicated; the last of 2 consecutive G bases (chr22:41,176,413-41,176,414); duplicating either gives the same sequence. VCF-style (leftmost placement, unchanged base first): chr22-41176412-T-TG. GRCh37 (hg19) VCF-style: chr22-41572416-T-TG.
Other names: c.4869dup, p.Ser1624fs (NM_001362843.2); short protein forms S1624fs, S1650fs.
Identifiers: ClinVar variation 2035946 (VCV002035946.4), dbSNP rs2517831169, ClinGen allele CA2580099845.

ClinVar aggregate classification (germline): Pathogenic (1 of 4 stars; one submission).

Conditions:
Rubinstein-Taybi syndrome due to EP300 haploinsufficiency. Also called: EP300-Related Rubinstein-Taybi Syndrome; RUBINSTEIN-TAYBI SYNDROME 2. Identifiers: Orphanet 353284, Orphanet 783, MedGen C3150941, MONDO:0013364, OMIM 613684.

Submission:

Labcorp Genetics (formerly Invitae), Labcorp
Classification: Pathogenic for Rubinstein-Taybi syndrome due to EP300 haploinsufficiency. Last evaluated: 2022-10-19. Review status: criteria provided, single submitter. Criteria: Invitae Variant Classification Sherloc (09022015). Collection method: clinical testing. Allele origin: germline.
Comment: This variant is not present in population databases (gnomAD no frequency). For these reasons, this variant has been classified as Pathogenic. This variant disrupts a region of the EP300 protein in which other variant(s) (p.Pro2367Argfs*36) have been determined to be pathogenic (PMID: 17299436). This suggests that this is a clinically significant region of the protein, and that variants that disrupt it are likely to be disease-causing. This variant has not been reported in the literature in individuals affected with EP300-related conditions. This sequence change creates a premature translational stop signal (p.Ser1650Valfs*23) in the EP300 gene. While this is not anticipated to result in nonsense mediated decay, it is expected to disrupt the last 765 amino acid(s) of the EP300 protein.

Literature cited by the submitters: PubMed 17299436.